The following is an entry in ClinVar:

NM_024741.3(ZNF408):c.967C>T (p.Pro323Ser)

Gene: ZNF408 (zinc finger protein 408; plus strand). Cytogenetic location: 11p11.2.
Variant type: single nucleotide variant.
Coding change: c.967C>T on transcript NM_024741.3 (MANE Select); coding-DNA position 967, C replaced by T.
Protein change: p.Pro323Ser; replaces proline 323 with serine.
Molecular consequence: missense variant.
Genome position (GRCh38, 1-based): chr11:46,704,667, C>T. VCF-style: chr11-46704667-C-T. GRCh37 (hg19) VCF-style: chr11-46726217-C-T.
Other names: c.943C>T, p.Pro315Ser (NM_001184751.2); short protein forms P323S, P315S.
Identifiers: ClinVar variation 1496987 (VCV001496987.8), dbSNP rs753831885, ClinGen allele CA380254563.

ClinVar aggregate classification (germline): Uncertain significance (1 of 4 stars; one submission).

Allele frequency attached by ClinVar (database versions not stated): gnomAD 0.00001; TOPMed 0.00001.
gnomAD v4.1: 1 of 1,613,618 alleles (0.000062%); highest among the groups gnomAD compares: African/African-American, 0.0013%; no homozygotes.

Submission:

Labcorp Genetics (formerly Invitae), Labcorp
Classification: Uncertain significance. Last evaluated: 2021-06-06. Review status: criteria provided, single submitter. Criteria: Invitae Variant Classification Sherloc (09022015). Collection method: clinical testing. Allele origin: germline.
Comment: This variant has not been reported in the literature in individuals with ZNF408-related conditions. Algorithms developed to predict the effect of missense changes on protein structure and function output the following: SIFT: "Tolerated"; PolyPhen-2: "Benign"; Align-GVGD: "Class C0". The serine amino acid residue is found in multiple mammalian species, suggesting that this missense change does not adversely affect protein function. These predictions have not been confirmed by published functional studies and their clinical significance is uncertain. In summary, the available evidence is currently insufficient to determine the role of this variant in disease. Therefore, it has been classified as a Variant of Uncertain Significance. This variant is not present in population databases (ExAC no frequency). This sequence change replaces proline with serine at codon 323 of the ZNF408 protein (p.Pro323Ser). The proline residue is weakly conserved and there is a moderate physicochemical difference between proline and serine.